The following is an entry in ClinVar:

NM_000701.8(ATP1A1):c.25A>C (p.Lys9Gln)

Gene: ATP1A1 (ATPase Na+/K+ transporting subunit alpha 1; plus strand). Cytogenetic location: 1p13.1.
Variant type: single nucleotide variant.
Coding change: c.25A>C on transcript NM_000701.8 (MANE Select); coding-DNA position 25, A replaced by C.
Protein change: p.Lys9Gln; replaces lysine 9 with glutamine.
Molecular consequence: missense variant. On other transcripts: 5 prime UTR variant (1).
Genome position (GRCh38, 1-based): chr1:116,384,026, A>C. VCF-style: chr1-116384026-A-C. GRCh37 (hg19) VCF-style: chr1-116926648-A-C.
Other names: c.25A>C, p.Lys9Gln (NM_001160233.2); c.-69A>C (NM_001160234.2); short protein forms K9Q.
Identifiers: ClinVar variation 2963834 (VCV002963834.3), dbSNP rs769191909, ClinGen allele CA1025002.

ClinVar aggregate classification (germline): Uncertain significance (1 of 4 stars; one submission).

Allele frequency attached by ClinVar (database versions not stated): TOPMed below 0.00001; ExAC 0.00001; gnomAD exomes 0.00001.
gnomAD v4.1: 4 of 1,614,040 alleles (0.00025%); highest among the groups gnomAD compares: Non-Finnish European, 0.00034%; no homozygotes.

Submission:

Labcorp Genetics (formerly Invitae), Labcorp
Classification: Uncertain significance. Last evaluated: 2023-07-27. Review status: criteria provided, single submitter. Criteria: Invitae Variant Classification Sherloc (09022015). Collection method: clinical testing. Allele origin: germline.
Comment: In summary, the available evidence is currently insufficient to determine the role of this variant in disease. Therefore, it has been classified as a Variant of Uncertain Significance. Advanced modeling of protein sequence and biophysical properties (such as structural, functional, and spatial information, amino acid conservation, physicochemical variation, residue mobility, and thermodynamic stability) performed at Invitae indicates that this missense variant is not expected to disrupt ATP1A1 protein function. This variant has not been reported in the literature in individuals affected with ATP1A1-related conditions. This variant is present in population databases (rs769191909, gnomAD 0.002%). This sequence change replaces lysine, which is basic and polar, with glutamine, which is neutral and polar, at codon 9 of the ATP1A1 protein (p.Lys9Gln).